The following is an entry in ClinVar:

NM_013432.5(TONSL):c.2539C>T (p.Arg847Trp)

Genes: TONSL (tonsoku like, DNA repair protein; minus strand), TONSL-AS1 (TONSL antisense RNA 1; plus strand). Cytogenetic location: 8q24.3.
Variant type: single nucleotide variant.
Coding change: c.2539C>T on transcript NM_013432.5 (MANE Select); coding-DNA position 2539, C replaced by T.
Protein change: p.Arg847Trp; replaces arginine 847 with tryptophan.
Molecular consequence: missense variant.
Genome position (GRCh38, 1-based): chr8:144,435,894, G>A on the plus strand (C>T on the coding strand, the complement: TONSL is on the minus strand). VCF-style: chr8-144435894-G-A. GRCh37 (hg19) VCF-style: chr8-145661277-G-A.
Other names: c.2539C>T (NM_013432.4); short protein forms R847W.
Identifiers: ClinVar variation 2172183 (VCV002172183.3), dbSNP rs534998941, ClinGen allele CA4942793.
Genomic context (GRCh38, chr8:144,435,894, plus strand): 5'-TGTCCGACCCAGAGGTACTACTGGGCCTGCGGTTGTCTCCAGTGCCCCGGGGGCGGGGCC[G>A]GCGGCTGCGGGTCAGGGGCATGTCCAGCTCCAGCCAGTCCCCGGCCAGGCACTCCTCCTC-3'
Protein context (NP_038460.4, residues 837-857): ELDMPLTRSR[Arg847Trp]PRPRGTGDNR

ClinVar aggregate classification (germline): Uncertain significance. Review status: criteria provided, multiple submitters, no conflicts (2 of 4 stars). 2 submissions from 2 submitters: Uncertain significance (2). Last evaluated 2025-10-08.

Conditions:
Inborn genetic diseases. Identifiers: MedGen C0950123, MeSH D030342.

Allele frequency attached by ClinVar (database versions not stated): gnomAD exomes 0.00002; ExAC 0.00005; TOPMed 0.00008; gnomAD 0.00010; 1000 Genomes Project 30x 0.00016; 1000 Genomes Project 0.00020.
gnomAD v4.1: 41 of 1,596,020 alleles (0.0026%); highest among the groups gnomAD compares: African/African-American, 0.021%; no homozygotes.

Submissions (2):

Labcorp Genetics (formerly Invitae), Labcorp
Classification: Uncertain significance. Last evaluated: 2025-10-08. Review status: criteria provided, single submitter. Criteria: Invitae Variant Classification Sherloc (09022015). Collection method: clinical testing. Allele origin: germline.
Comment: This sequence change replaces arginine, which is basic and polar, with tryptophan, which is neutral and slightly polar, at codon 847 of the TONSL protein (p.Arg847Trp). This variant is present in population databases (rs534998941, gnomAD 0.04%). This variant has not been reported in the literature in individuals affected with TONSL-related conditions. ClinVar contains an entry for this variant (Variation ID: 2172183). Invitae Evidence Modeling of protein sequence and biophysical properties (such as structural, functional, and spatial information, amino acid conservation, physicochemical variation, residue mobility, and thermodynamic stability) indicates that this missense variant is not expected to disrupt TONSL protein function with a negative predictive value of 80%. In summary, the available evidence is currently insufficient to determine the role of this variant in disease. Therefore, it has been classified as a Variant of Uncertain Significance.

Ambry Genetics
Classification: Uncertain significance for Inborn genetic diseases. Last evaluated: 2025-09-10. Review status: criteria provided, single submitter. Criteria: Ambry Variant Classification Scheme 2023. Collection method: clinical testing. Allele origin: germline.